The following is an entry in ClinVar:

ClinVar aggregate classification (germline): Uncertain significance (1 of 4 stars; one submission).

Conditions:
Hereditary sensory and autonomic neuropathy type 7. Also called: Neuropathy, hereditary sensory and autonomic, type VII; HSAN VII. Identifiers: Orphanet 391397, MedGen C3809882, MONDO:0014244, OMIM 615548.
Familial episodic pain syndrome with predominantly lower limb involvement. Also called: Episodic pain syndrome, familial, 3. Identifiers: Orphanet 391384, Orphanet 391392, MedGen C3809899, MONDO:0014247, OMIM 615552.

Submission:

Labcorp Genetics (formerly Invitae), Labcorp
Classification: Uncertain significance for Familial episodic pain syndrome with predominantly lower limb involvement; Hereditary sensory and autonomic neuropathy type 7. Last evaluated: 2020-06-11. Review status: criteria provided, single submitter. Criteria: Invitae Variant Classification Sherloc (09022015). Collection method: clinical testing. Allele origin: germline.
Comment: In summary, the available evidence is currently insufficient to determine the role of this variant in disease. Therefore, it has been classified as a Variant of Uncertain Significance. This variant is not present in population databases (ExAC no frequency). This sequence change replaces asparagine with threonine at codon 334 of the SCN11A protein (p.Asn334Thr). The asparagine residue is moderately conserved and there is a small physicochemical difference between asparagine and threonine. This variant has not been reported in the literature in individuals with SCN11A-related conditions. Algorithms developed to predict the effect of missense changes on protein structure and function are either unavailable or do not agree on the potential impact of this missense change (SIFT: "Deleterious"; PolyPhen-2: "Probably Damaging"; Align-GVGD: "Class C0").

NM_001349253.2(SCN11A):c.1001A>C (p.Asn334Thr)

Gene: SCN11A (sodium voltage-gated channel alpha subunit 11; minus strand). Cytogenetic location: 3p22.2.
Variant type: single nucleotide variant.
Coding change: c.1001A>C on transcript NM_001349253.2 (MANE Select); coding-DNA position 1001, A replaced by C.
Protein change: p.Asn334Thr; replaces asparagine 334 with threonine.
Molecular consequence: missense variant.
Genome position (GRCh38, 1-based): chr3:38,910,166, T>G on the plus strand (A>C on the coding strand, the complement: SCN11A is on the minus strand). VCF-style: chr3-38910166-T-G. GRCh37 (hg19) VCF-style: chr3-38951657-T-G.
Other names: c.1001A>C, p.Asn334Thr (NM_014139.3); short protein forms N334T.
Identifiers: ClinVar variation 1004671 (VCV001004671.5), dbSNP rs2065866460, ClinGen allele CA352168648.